The following is an entry in ClinVar:

ClinVar aggregate classification (germline): Uncertain significance (1 of 4 stars; one submission).

Conditions:
Left ventricular noncompaction 8 (LVNC8). Identifiers: Orphanet 154, Orphanet 54260, MedGen C3809288, MONDO:0014152, OMIM 615373.

Submission:

Labcorp Genetics (formerly Invitae), Labcorp
Classification: Uncertain significance for Left ventricular noncompaction 8. Last evaluated: 2025-01-12. Review status: criteria provided, single submitter. Criteria: Invitae Variant Classification Sherloc (09022015). Collection method: clinical testing. Allele origin: germline.
Comment: This sequence change replaces glutamic acid, which is acidic and polar, with lysine, which is basic and polar, at codon 605 of the PRDM16 protein (p.Glu605Lys). This variant is not present in population databases (gnomAD no frequency). This variant has not been reported in the literature in individuals affected with PRDM16-related conditions. An algorithm developed to predict the effect of missense changes on protein structure and function (PolyPhen-2) suggests that this variant is likely to be disruptive. In summary, the available evidence is currently insufficient to determine the role of this variant in disease. Therefore, it has been classified as a Variant of Uncertain Significance.

NM_022114.4(PRDM16):c.1813G>A (p.Glu605Lys)

Gene: PRDM16 (PR/SET domain 16; plus strand). Cytogenetic location: 1p36.32.
Variant type: single nucleotide variant.
Coding change: c.1813G>A on transcript NM_022114.4 (MANE Select); coding-DNA position 1813, G replaced by A.
Protein change: p.Glu605Lys; replaces glutamic acid 605 with lysine.
Molecular consequence: missense variant.
Genome position (GRCh38, 1-based): chr1:3,412,010, G>A. VCF-style: chr1-3412010-G-A. GRCh37 (hg19) VCF-style: chr1-3328574-G-A.
Other names: c.1813G>A, p.Glu605Lys (NM_199454.3); short protein forms E605K.
Identifiers: ClinVar variation 3633349 (VCV003633349.2).